The following is an entry in ClinVar:

ClinVar aggregate classification (germline): Uncertain significance. Review status: criteria provided, multiple submitters, no conflicts (2 of 4 stars). 2 submissions from 2 submitters: Uncertain significance (2). Last evaluated 2025-10-14.

Conditions:
TTN-related disorder. Also called: TTN-related disorders; TTN-related condition; TTN-related disease.

Allele frequency attached by ClinVar (database versions not stated): gnomAD 0.00001; ExAC 0.00002; TOPMed 0.00002; gnomAD exomes 0.00006; ESP Exome Variant Server 0.00008.

Submissions (2):

PreventionGenetics, part of Exact Sciences
Classification: Uncertain significance for TTN-related condition. Last evaluated: 2025-10-14. Review status: criteria provided, single submitter. Criteria: ACMG Guidelines, 2015. Collection method: clinical testing. Allele origin: germline.
Comment: The TTN c.10782delA variant is predicted to result in a frameshift and premature protein termination (p.Leu3595Cysfs*13). Of note, this variant is also referred to as c.10782delA (p.Leu3595Cysfs*13), located in exon 46 of the alternative Novex-3 transcript NM_133379 (minor small cardiac isoform) which is the last exon of this transcript. This exon is not included in any other TTN transcripts (principle cardiac or skeletal muscle isoforms). This variant has been reported in an individual who was evaluated as part of an exome sequencing cohort in which clinical details were not provided (reported as c.10782del, p.L3595fs in Supplemental Table 1, Connell et al. 2021. PubMed ID: 33226272). Several TTN truncating variants in this exon have been reported in presumably healthy control individuals and to our knowledge no loss of function variants in this exon have been reported in congenital titinopathy cases (Roberts et al. 2015. PMID: 25589632). This variant is reported in 0.0035% of alleles in individuals of European (Non-Finnish) descent in gnomAD and is interpreted as uncertain in ClinVar (Variation ID: 2636270). At this time, the clinical significance of this variant is uncertain due to the absence of conclusive functional and genetic evidence.

Blueprint Genetics
Classification: Uncertain significance. Last evaluated: 2023-10-19. Review status: criteria provided, single submitter. Criteria: ACMG Guidelines, 2015. Collection method: clinical testing. Allele origin: germline.

NM_001267550.2(TTN):c.11311+1506del

Gene: TTN (titin; minus strand). Cytogenetic location: 2q31.2.
Variant type: Deletion.
Coding change: c.11311+1506del on transcript NM_001267550.2 (MANE Select); 1506 bases into the intron after coding-DNA position 11311, one base deleted (A; older notation c.11311+1506delA).
Molecular consequence: intron variant. On other transcripts: frameshift variant (1).
Genome position (GRCh38, 1-based): chr2:178,751,618, T deleted on the plus strand (A on the coding strand, the reverse complement: TTN is on the minus strand). VCF-style (leftmost placement, unchanged base first): chr2-178751617-AT-A. GRCh37 (hg19) VCF-style: chr2-179616344-AT-A.
Other names: c.10782del, p.Leu3595fs (NM_133379.5); c.10222+1506del (NM_003319.4); c.10798+1506del (NM_133437.4); c.10597+1506del (NM_133432.3); c.10360+1506del (NM_133378.4, NM_001256850.1); short protein forms L3595fs.
Identifiers: ClinVar variation 2636270 (VCV002636270.3), dbSNP rs777963995, ClinGen allele CA2003844.